The following is an entry in ClinVar:

NM_018180.3(DHX32):c.1483T>G (p.Leu495Val)

Genes: BCCIP (BRCA2 and CDKN1A interacting protein; plus strand), DHX32 (DEAH-box helicase 32 (putative); minus strand). Cytogenetic location: 10q26.2.
Variant type: single nucleotide variant.
Coding change: c.1483T>G on transcript NM_018180.3 (MANE Select); coding-DNA position 1483, T replaced by G.
Protein change: p.Leu495Val; replaces leucine 495 with valine.
Molecular consequence: missense variant. On other transcripts: 3 prime UTR variant (1), intron variant (1).
Genome position (GRCh38, 1-based): chr10:125,841,803, A>C on the plus strand (T>G on the coding strand, the complement: DHX32 is on the minus strand). VCF-style: chr10-125841803-A-C. GRCh37 (hg19) VCF-style: chr10-127530372-A-C.
Other names: c.*444A>C (NM_078469.3); c.850+473A>C (NM_016567.4); short protein forms L495V.
Identifiers: ClinVar variation 3647685 (VCV003647685.2).

ClinVar aggregate classification (germline): Uncertain significance (1 of 4 stars; one submission).

Submission:

Labcorp Genetics (formerly Invitae), Labcorp
Classification: Uncertain significance. Last evaluated: 2024-03-26. Review status: criteria provided, single submitter. Criteria: Invitae Variant Classification Sherloc (09022015). Collection method: clinical testing. Allele origin: germline.
Comment: This sequence change replaces leucine, which is neutral and non-polar, with valine, which is neutral and non-polar, at codon 495 of the DHX32 protein (p.Leu495Val). This variant is not present in population databases (gnomAD no frequency). This variant has not been reported in the literature in individuals affected with DHX32-related conditions. An algorithm developed to predict the effect of missense changes on protein structure and function (PolyPhen-2) suggests that this variant is likely to be disruptive. In summary, the available evidence is currently insufficient to determine the role of this variant in disease. Therefore, it has been classified as a Variant of Uncertain Significance.